The following is an entry in ClinVar:

ClinVar aggregate classification (germline): Conflicting classifications of pathogenicity. Review status: criteria provided, conflicting classifications (1 of 4 stars). 14 submissions from 14 submitters: Uncertain significance (11); Benign (1); Likely benign (1). 1 of the submissions does not count toward it. Last evaluated 2026-05-26.

Conditions:
DNAH5-related disorder. Also called: DNAH5-related condition.
Primary ciliary dyskinesia. Also called: Ciliary dyskinesia. Identifiers: Orphanet 244, MedGen C0008780, MONDO:0016575, HP:0012265.
Primary ciliary dyskinesia 3. Identifiers: Orphanet 244, MedGen C1837618, MONDO:0012085, OMIM 608644.

Allele frequency attached by ClinVar (database versions not stated): ESP Exome Variant Server 0.00031; 1000 Genomes Project 0.00040; 1000 Genomes Project 30x 0.00047; gnomAD 0.00067 and 0.00074; gnomAD exomes 0.00081; TOPMed 0.00084; ExAC 0.00106.
gnomAD v4.1: 1,022 of 1,604,074 alleles (0.064%); highest among the groups gnomAD compares: Middle Eastern, 1%; 2 homozygotes.

Submissions (14):

PreventionGenetics, part of Exact Sciences
Classification: Uncertain significance for DNAH5-related condition. Last evaluated: 2026-05-26. Review status: criteria provided, single submitter. Criteria: ACMG Guidelines, 2015. Collection method: clinical testing. Allele origin: germline.
Comment: The DNAH5 c.1715T>G variant is predicted to result in the amino acid substitution p.Leu572Trp. This variant has been reported in an individual with Kartagener's syndrome (Ozkavukcu et al. 2018. PubMed ID: 29402277), and in an individual with primary ciliary dyskinesia (Schramn et al. 2023. PubMed ID: 37860582). This variant has also been reported in several members from one family with left-sided cardiac defect (Supporting Information, Gordon et al. 2022. PubMed ID: 35737725), This variant is reported in 0.12% of alleles in individuals of European (non-Finnish) descent in gnomAD. At this time, the clinical significance of this variant is uncertain due to the absence of conclusive functional and genetic evidence.

Labcorp Genetics (formerly Invitae), Labcorp
Classification: Benign for Primary ciliary dyskinesia. Last evaluated: 2026-02-01. Review status: criteria provided, single submitter. Criteria: Invitae Variant Classification Sherloc (09022015). Collection method: clinical testing. Allele origin: germline.

Blueprint Genetics
Classification: Uncertain significance. Last evaluated: 2024-11-15. Review status: criteria provided, single submitter. Criteria: ACMG Guidelines, 2015. Collection method: clinical testing. Allele origin: germline.

GeneDx
Classification: Uncertain significance. Last evaluated: 2024-06-07. Review status: criteria provided, single submitter. Criteria: GeneDx Variant Classification Process June 2021. Collection method: clinical testing. Allele origin: germline. Affected: yes.
Comment: Identified in a patient with primary ciliary dyskinesia in published literature, however additional genotype and phenotype information was not provided (Nothe-Menchen et al., 2019); In silico analysis supports that this missense variant has a deleterious effect on protein structure/function; This variant is associated with the following publications: (PMID: 34426522, 35737725, 29402277, 31638833, 37860582)

Clinical Genomics Laboratory, Washington University in St. Louis
Classification: Uncertain significance for Primary ciliary dyskinesia 3. Last evaluated: 2023-09-12. Review status: criteria provided, single submitter. Criteria: ACMG Guidelines, 2015. Collection method: clinical testing. Allele origin: germline.
Comment: The DNAH5 c.1715T>G (p.Leu572Trp) variant has been reported in one individual with Kartagener’s syndrome, but was not determined to be causative (Ozkavukcu S et al., PMID: 29402277). Additionally, DNAH5 c.1715T>G was published in an individual with situs inversus, but the protein change reported is p.Leu573*, so it is unclear if this is the same variant or a report of a distinct variant (Nöthe-Menchen T et al., PMID: 31638833). The highest population minor allele frequency in the population database genome aggregation database (v.2.1.1) is 0.1% in the European (non-Finnish) population, which is consistent with carrier status of primary ciliary dyskinesia. Computational predictors indicate that the variant is damaging, evidence that correlates with impact to DNAH5 function. Due to limited information, and based on ACMG/AMP guidelines for variant interpretation (Richards S et al., PMID: 25741868), the clinical significance of this variant is uncertain at this time.

Department of Pathology and Laboratory Medicine, Sinai Health System
Classification: Uncertain significance for Primary ciliary dyskinesia 3. Last evaluated: 2023-05-01. Review status: criteria provided, single submitter. Criteria: ACMG Guidelines, 2015. Collection method: research. Allele origin: germline.

Fulgent Genetics
Classification: Uncertain significance for Primary ciliary dyskinesia 3. Last evaluated: 2022-05-09. Review status: criteria provided, single submitter. Criteria: ACMG Guidelines, 2015. Collection method: clinical testing. Allele origin: unknown.

Ambry Genetics
Classification: Likely benign for Primary ciliary dyskinesia. Last evaluated: 2022-05-03. Review status: criteria provided, single submitter. Criteria: Ambry Variant Classification Scheme 2023. Collection method: clinical testing. Allele origin: germline.

Genome-Nilou Lab
Classification: Uncertain significance for Primary ciliary dyskinesia 3. Last evaluated: 2021-05-18. Review status: criteria provided, single submitter. Criteria: ACMG Guidelines, 2015. Collection method: clinical testing. Allele origin: germline. Affected: no.

UNC Molecular Genetics  Laboratory, University of North Carolina at Chapel Hill
Classification: Uncertain significance for Primary ciliary dyskinesia. Last evaluated: 2018-10-12. Review status: criteria provided, single submitter. Criteria: ACMG Guidelines, 2015. Collection method: clinical testing. Allele origin: germline. Observed: 1 heterozygote.

Laboratory for Molecular Medicine, Mass General Brigham Personalized Medicine
Classification: Uncertain significance. Last evaluated: 2018-03-22. Review status: criteria provided, single submitter. Criteria: LMM Criteria. Collection method: clinical testing. Allele origin: germline. Observed: 1 variant allele.
Comment: The p.Leu572Trp variant in DNAH5 has not been previously reported in individuals with primary ciliary dyskinesia, but has been identified in 0.1% (147/120780) o f European chromosomes by the Genome Aggregation Database (gnomAD .; dbSNP rs13787813). Computational prediction tools and conse rvation analysis suggest that the p.Leu572Trp variant may impact the protein, th ough this information is not predictive enough to determine pathogenicity. In su mmary, the clinical significance of the p.Leu572Trp variant is uncertain. ACMG/A MP Criteria applied: PP3.

Illumina Laboratory Services, Illumina
Classification: Uncertain significance for Primary ciliary dyskinesia 3. Last evaluated: 2018-01-13. Review status: criteria provided, single submitter. Criteria: ICSL Variant Classification Criteria 13 December 2019. Collection method: clinical testing. Allele origin: germline.

Breakthrough Genomics
Classification: Uncertain significance. Review status: criteria provided, single submitter. Criteria: ACMG Guidelines, 2015. Collection method: not provided. Allele origin: germline. Inheritance: Autosomal recessive inheritance. Affected: yes.

Natera, Inc.
Classification: Uncertain significance for Primary ciliary dyskinesia. Last evaluated: 2019-12-16. Review status: no assertion criteria provided. Collection method: clinical testing. Allele origin: germline. Not counted in ClinVar's aggregate classification.

Literature cited by the submitters: PubMed 29402277 (cited by Ambry Genetics); PubMed 31638833 (cited by Ambry Genetics).

NM_001369.3(DNAH5):c.1715T>G (p.Leu572Trp)

Gene: DNAH5 (dynein axonemal heavy chain 5; minus strand). Cytogenetic location: 5p15.2.
Variant type: single nucleotide variant.
Coding change: c.1715T>G on transcript NM_001369.3 (MANE Select); coding-DNA position 1715, T replaced by G.
Protein change: p.Leu572Trp; replaces leucine 572 with tryptophan.
Molecular consequence: missense variant.
Genome position (GRCh38, 1-based): chr5:13,902,068, A>C on the plus strand (T>G on the coding strand, the complement: DNAH5 is on the minus strand). VCF-style: chr5-13902068-A-C. GRCh37 (hg19) VCF-style: chr5-13902177-A-C.
Other names: p.Leu572Trp; short protein forms L572W.
Identifiers: ClinVar variation 351208 (VCV000351208.34), dbSNP rs137878131, ClinGen allele CA3204763.